The following is an entry in ClinVar:

ClinVar aggregate classification (germline): Uncertain significance (1 of 4 stars; one submission).

Conditions:
Dystonia 12 (DYT12). Also called: Rapid-Onset Dystonia-Parkinsonism (RDP); DYT-ATP1A3. Identifiers: Orphanet 71517, MedGen C1868681, MONDO:0007496, OMIM 128235.

Allele frequency attached by ClinVar (database versions not stated): TOPMed below 0.00001.
gnomAD v4.1: 1 of 1,613,746 alleles (0.000062%); highest among the groups gnomAD compares: East Asian, 0.0022%; no homozygotes.

Submission:

Labcorp Genetics (formerly Invitae), Labcorp
Classification: Uncertain significance for Dystonia 12. Last evaluated: 2022-05-24. Review status: criteria provided, single submitter. Criteria: Invitae Variant Classification Sherloc (09022015). Collection method: clinical testing. Allele origin: germline.
Comment: In summary, the available evidence is currently insufficient to determine the role of this variant in disease. Therefore, it has been classified as a Variant of Uncertain Significance. Advanced modeling of protein sequence and biophysical properties (such as structural, functional, and spatial information, amino acid conservation, physicochemical variation, residue mobility, and thermodynamic stability) performed at Invitae indicates that this missense variant is not expected to disrupt ATP1A3 protein function. This variant has not been reported in the literature in individuals affected with ATP1A3-related conditions. This variant is not present in population databases (gnomAD no frequency). This sequence change replaces isoleucine, which is neutral and non-polar, with valine, which is neutral and non-polar, at codon 994 of the ATP1A3 protein (p.Ile994Val).

NM_152296.5(ATP1A3):c.2980A>G (p.Ile994Val)

Gene: ATP1A3 (ATPase Na+/K+ transporting subunit alpha 3; minus strand). Cytogenetic location: 19q13.2.
Variant type: single nucleotide variant.
Coding change: c.2980A>G on transcript NM_152296.5 (MANE Select); coding-DNA position 2980, A replaced by G.
Protein change: p.Ile994Val; replaces isoleucine 994 with valine.
Molecular consequence: missense variant.
Genome position (GRCh38, 1-based): chr19:41,967,282, T>C on the plus strand (A>G on the coding strand, the complement: ATP1A3 is on the minus strand). VCF-style: chr19-41967282-T-C. GRCh37 (hg19) VCF-style: chr19-42471434-T-C.
Other names: c.3013A>G, p.Ile1005Val (NM_001256213.2); c.3019A>G, p.Ile1007Val (NM_001256214.2); short protein forms I1007V, I994V, I1005V.
Identifiers: ClinVar variation 2108236 (VCV002108236.4), dbSNP rs1555858834, ClinGen allele CA406035046.